The following is an entry in ClinVar:

NM_006929.5(SKIC2):c.3631C>T (p.Arg1211Trp)

Gene: SKIC2 (SKI2 subunit of superkiller complex; plus strand). Cytogenetic location: 6p21.33.
Variant type: single nucleotide variant.
Coding change: c.3631C>T on transcript NM_006929.5 (MANE Select); coding-DNA position 3631, C replaced by T.
Protein change: p.Arg1211Trp; replaces arginine 1211 with tryptophan.
Molecular consequence: missense variant.
Genome position (GRCh38, 1-based): chr6:31,969,605, C>T. VCF-style: chr6-31969605-C-T. GRCh37 (hg19) VCF-style: chr6-31937382-C-T.
Other names: short protein forms R1211W.
Identifiers: ClinVar variation 3607818 (VCV003607818.1).

ClinVar aggregate classification (germline): Uncertain significance (1 of 4 stars; one submission).

gnomAD v4.1: 47 of 1,613,016 alleles (0.0029%); highest among the groups gnomAD compares: South Asian, 0.037%; no homozygotes.

Submission:

Labcorp Genetics (formerly Invitae), Labcorp
Classification: Uncertain significance. Last evaluated: 2025-01-05. Review status: criteria provided, single submitter. Criteria: Invitae Variant Classification Sherloc (09022015). Collection method: clinical testing. Allele origin: germline.
Comment: This sequence change replaces arginine, which is basic and polar, with tryptophan, which is neutral and slightly polar, at codon 1211 of the SKIV2L protein (p.Arg1211Trp). This variant is present in population databases (rs750120175, gnomAD 0.04%). This variant has not been reported in the literature in individuals affected with SKIV2L-related conditions. An algorithm developed to predict the effect of missense changes on protein structure and function (PolyPhen-2) suggests that this variant is likely to be disruptive. In summary, the available evidence is currently insufficient to determine the role of this variant in disease. Therefore, it has been classified as a Variant of Uncertain Significance.